The following is an entry in ClinVar:

ClinVar aggregate classification (germline): Uncertain significance. Review status: criteria provided, multiple submitters, no conflicts (2 of 4 stars). 11 submissions from 11 submitters: Uncertain significance (10). 1 of the submissions does not count toward it. Last evaluated 2025-12-16.

Conditions:
VWF-related disorder. Also called: VWF-related condition; VWF-related disorders.
von Willebrand disease type 1 (VWD1). Also called: VWD, TYPE 1; VON WILLEBRAND DISEASE, TYPE I. Identifiers: Orphanet 166078, Orphanet 903, MedGen C1264039, MONDO:0008668, OMIM 193400. Inheritance: autosomal recessive or autosomal dominant.
von Willebrand disease type 3 (VWD3). Also called: Type 3 Von Willebrand's disease; Type 3 VWD; Von Willebrand disease, severe form; V WD3; VON WILLEBRAND DISEASE, TYPE III. Identifiers: Orphanet 166096, MedGen C1264041, MONDO:0010191, OMIM 277480.
von Willebrand disease type 2 (VWD2). Also called: VWD, TYPE 2; VON WILLEBRAND DISEASE, TYPE II; VON WILLEBRAND DISEASE, TYPE 2A/IIE; VON WILLEBRAND DISEASE, TYPE 2CB. Identifiers: Orphanet 166081, Orphanet 903, MedGen C1264040, MONDO:0013304, OMIM 613554.
Hereditary von Willebrand disease. Identifiers: Orphanet 903, MedGen C5703318, MONDO:0019565. Inheritance: Autosomal recessive or Autosomal dominant.

Allele frequency attached by ClinVar (database versions not stated): 1000 Genomes Project 30x 0.00016; 1000 Genomes Project 0.00020; gnomAD 0.00038; TOPMed 0.00039; ESP Exome Variant Server 0.00062.
gnomAD v4.1: 736 of 1,614,076 alleles (0.046%); highest among the groups gnomAD compares: Non-Finnish European, 0.057%; 1 homozygote.

Submissions (11):

Women's Health and Genetics/Laboratory Corporation of America, LabCorp
Classification: Uncertain significance. Last evaluated: 2025-12-16. Review status: criteria provided, single submitter. Criteria: LabCorp Variant Classification Summary - May 2015. Collection method: clinical testing. Allele origin: germline.
Comment: Variant summary: VWF c.8084C>G (p.Pro2695Arg) results in a non-conservative amino acid change in the encoded protein sequence. Algorithms developed to predict the effect of missense changes on protein structure and function are either unavailable or do not agree on the potential impact of this missense change. The variant allele was found at a frequency of 0.00024 in 251448 control chromosomes. This frequency is not significantly higher than estimated for disease-causing variants in VWF, allowing no conclusion about variant significance. c.8084C>G has been reported in the literature in individuals with and without VWD phenotype, in an individual with low VWF levels, and one with hemophilia B without strong evidence of causality (e.g. Lavin_2017, Manderstedt_2019, Stefanucci_2023). These reports do not provide unequivocal conclusions about association of the variant with Von Willebrand Disease. To our knowledge, no experimental evidence demonstrating an impact on protein function has been reported. The following publications have been ascertained in the context of this evaluation (PMID: 28916584, 31026269, 37647632). ClinVar contains an entry for this variant (Variation ID: 806784). Based on the evidence outlined above, the variant was classified as uncertain significance.

PreventionGenetics, part of Exact Sciences
Classification: Uncertain significance for VWF-related condition. Last evaluated: 2025-12-01. Review status: criteria provided, single submitter. Criteria: ACMG Guidelines, 2015. Collection method: clinical testing. Allele origin: germline.
Comment: The VWF c.8084C>G variant is predicted to result in the amino acid substitution p.Pro2695Arg. This variant has been reported in two individuals with low von Willebrand factor (Lavin et al. 2017. PubMed ID: 28916584) and in another patient that had a F9 variant and diagnosed with hemophilia B (Manderstedt et al. 2019. PubMed ID: 31026269). This variant was assessed by a multidisciplinary team and considered to not be causative (Supp. Table 3.4, Stefanucci et al. 2023. PubMed ID: 37647632). This variant is reported in 0.049% of alleles in individuals of European (non-Finnish) descent in gnomAD. At this time, the clinical significance of this variant is uncertain due to the absence of conclusive functional and genetic evidence.

Mayo Clinic Laboratories, Mayo Clinic
Classification: Uncertain significance. Last evaluated: 2025-09-29. Review status: criteria provided, single submitter. Criteria: ACMG Guidelines, 2015. Collection method: clinical testing. Allele origin: germline. Observed: 3 variant alleles.

GeneDx
Classification: Uncertain significance. Last evaluated: 2024-11-27. Review status: criteria provided, single submitter. Criteria: GeneDx Variant Classification Process June 2021. Collection method: clinical testing. Allele origin: germline. Affected: yes.
Comment: Observed in 2 individuals with low VWF levels (PMID: 28916584) and observed in an individual with a diagnosis of hemophilia B who also had a missense variant in the F9 gene (PMID: 31026269); In silico analysis supports that this missense variant has a deleterious effect on protein structure/function; This variant is associated with the following publications: (PMID: 31026269, 28916584, 37647632)

Quest Diagnostics Nichols Institute San Juan Capistrano
Classification: Uncertain significance. Last evaluated: 2024-11-15. Review status: criteria provided, single submitter. Criteria: Quest Diagnostics criteria. Collection method: clinical testing. Allele origin: unknown.
Comment: The VWF c.8084C>G (p.Pro2695Arg) variant has been reported in individuals with low VWF levels (PMID: 28916584 (2017)), and in an individual with hemophilia B (PMID: 31026269 (2019)). This variant has also been observed in a reportedly healthy individual (PMID: 22197721 (2012)). The frequency of this variant in the general population, 0.00075 (38/50794 chromosomes (Genome Aggregation Database)), is uninformative in the assessment of its pathogenicity. Analysis of this variant using bioinformatics tools for the prediction of the effect of amino acid changes on protein structure and function yielded predictions that this variant is damaging. Based on the available information, we are unable to determine the clinical significance of this variant.

ARUP Laboratories, Molecular Genetics and Genomics, ARUP Laboratories
Classification: Uncertain significance. Last evaluated: 2024-09-04. Review status: criteria provided, single submitter. Criteria: ARUP Molecular Germline Variant Investigation Process 2024. Collection method: clinical testing. Allele origin: germline.
Comment: The VWF c.8084C>G; p.Pro2695Arg variant (rs76459136, ClinVar Variation ID: 806784) is reported in the literature in several individuals affected with a bleeding disorder or low VWF levels (Lavin 2012, Manderstedt 2019) but also in a healthy control (Bellissimo 2012). Additionally, one affected individual with this variant also carried a missense variant in the F9 gene that likely explained their disease (Manderstedt 2019). The p.Pro2695Arg variant is found in the non-Finnish European population with an allele frequency of 0.05% (63/129160 alleles) in the Genome Aggregation Database (v2.1.1). Computational analyses are uncertain whether this variant is neutral or deleterious (REVEL: 0.33). Due to limited information, the clinical significance of the p.Pro2695Arg variant is uncertain at this time. References: Bellissimo DB et al. VWF mutations and new sequence variations identified in healthy controls are more frequent in the African-American population. Blood. 2012 Mar 1;119(9):2135-40. PMID: 22197721. Lavin M et al. Novel insights into the clinical phenotype and pathophysiology underlying low VWF levels. Blood. 2017 Nov 23;130(21):2344-2353. PMID: 28916584. Manderstedt E et al. Targeted re-sequencing of F8, F9 and VWF: Characterization of Ion Torrent data and clinical implications for mutation screening. PLoS One. 2019 Apr 26;14(4):e0216179. PMID: 31026269.

Blueprint Genetics
Classification: Uncertain significance. Last evaluated: 2024-08-23. Review status: criteria provided, single submitter. Criteria: ACMG Guidelines, 2015. Collection method: clinical testing. Allele origin: germline.

Department of Pathology and Laboratory Medicine, Sinai Health System
Classification: Uncertain significance for von Willebrand disease type 1; von Willebrand disease type 3; von Willebrand disease type 2. Last evaluated: 2022-04-11. Review status: criteria provided, single submitter. Criteria: ACMG Guidelines, 2015. Collection method: research. Allele origin: germline.

Genetics and Molecular Pathology, SA Pathology
Classification: Uncertain significance for Hereditary von Willebrand disease. Last evaluated: 2020-03-02. Review status: criteria provided, single submitter. Criteria: ACMG Guidelines, 2015. Collection method: clinical testing. Allele origin: germline. Affected: yes.

Breakthrough Genomics
Classification: Uncertain significance. Review status: criteria provided, single submitter. Criteria: ACMG Guidelines, 2015. Collection method: not provided. Allele origin: germline. Inheritance: Autosomal recessive inheritance. Affected: yes.

ISTH-SSC Genomics in Thrombosis and Hemostasis, KU Leuven, Center for Molecular and Vascular Biology
Classification: Uncertain significance for von Willebrand disorder. Review status: no assertion criteria provided. Collection method: research. Allele origin: unknown. Affected: yes. Not counted in ClinVar's aggregate classification.
Comment: Submitted to GoldVariant by Dr Marie-Christine Morel-Kopp from Northern Blood Research Centre, Sydney, Australia

Literature cited by the submitters: PubMed 28916584 (cited by 3 submitters); PubMed 31026269 (cited by 3 submitters); PubMed 37647632 (cited by 3 submitters); PubMed 22197721 (cited by Mayo Clinic Laboratories, Mayo Clinic and Quest Diagnostics Nichols Institute San Juan Capistrano).

NM_000552.5(VWF):c.8084C>G (p.Pro2695Arg)

Gene: VWF (von Willebrand factor; minus strand). Cytogenetic location: 12p13.31.
Variant type: single nucleotide variant.
Coding change: c.8084C>G on transcript NM_000552.5 (MANE Select); coding-DNA position 8084, C replaced by G.
Protein change: p.Pro2695Arg; replaces proline 2695 with arginine.
Molecular consequence: missense variant.
Genome position (GRCh38, 1-based): chr12:5,952,422, G>C on the plus strand (C>G on the coding strand, the complement: VWF is on the minus strand). VCF-style: chr12-5952422-G-C. GRCh37 (hg19) VCF-style: chr12-6061588-G-C.
Other names: p.Pro2695Arg; short protein forms P2695R.
Identifiers: ClinVar variation 806784 (VCV000806784.33), dbSNP rs76459136, ClinGen allele CA6401409.